The following is an entry in ClinVar:

ClinVar aggregate classification (germline): Pathogenic (1 of 4 stars; one submission).

Conditions:
Renal carnitine transport defect (CDSP). Also called: Systemic primary carnitine deficiency disease; CARNITINE DEFICIENCY, SYSTEMIC, DUE TO DEFECT IN RENAL REABSORPTION OF CARNITINE; CARNITINE TRANSPORTER, PLASMA-MEMBRANE, DEFICIENCY OF; CARNITINE UPTAKE DEFECT; Carnitine transporter deficiency; Carnitine Deficiency, Systemic. Identifiers: Orphanet 158, MedGen C0342788, MONDO:0008919, OMIM 212140.

Submission:

Myriad Genetics, Inc.
Classification: Pathogenic for Renal carnitine transport defect. Last evaluated: 2025-01-07. Review status: criteria provided, single submitter. Criteria: Myriad Autosomal Dominant, Autosomal Recessive and X-Linked Classification Criteria (2023). Collection method: clinical testing. Allele origin: unknown.
Comment: NM_003060.3(SLC22A5):c.538C>T(Q180*) is a nonsense variant classified as pathogenic in the context of primary carnitine deficiency. Q180* has been observed in cases with relevant disease (PMID: 23379544). Relevant functional assessments of this variant are not available in the literature. Q180* has not been observed in referenced population frequency databases. In summary, NM_003060.3(SLC22A5):c.538C>T(Q180*) is a nonsense variant in a gene where loss of function is a known mechanism of disease, is predicted to disrupt protein function, and has been observed more frequently in cases with the relevant disease than in healthy populations. Please note: this variant was assessed in the context of healthy population screening.

Literature cited by the submitters: PubMed 23379544.

NM_003060.4(SLC22A5):c.538C>T (p.Gln180Ter)

Gene: SLC22A5 (solute carrier family 22 member 5; plus strand). Cytogenetic location: 5q31.1.
Variant type: single nucleotide variant.
Coding change: c.538C>T on transcript NM_003060.4 (MANE Select); coding-DNA position 538, C replaced by T.
Protein change: p.Gln180Ter; replaces glutamine 180 with a stop codon.
Molecular consequence: nonsense.
Genome position (GRCh38, 1-based): chr5:132,384,187, C>T. VCF-style: chr5-132384187-C-T. GRCh37 (hg19) VCF-style: chr5-131719879-C-T.
Other names: c.610C>T, p.Gln204Ter (NM_001308122.2); short protein forms Q180*, Q204*.
Identifiers: ClinVar variation 4081798 (VCV004081798.1).